The following is an entry in ClinVar:

ClinVar aggregate classification (germline): Uncertain significance (1 of 4 stars; one submission).

gnomAD v4.1: 4 of 1,204,398 alleles (0.00033%); highest among the groups gnomAD compares: Non-Finnish European, 0.00034%; no homozygotes.

Submission:

Labcorp Genetics (formerly Invitae), Labcorp
Classification: Uncertain significance. Last evaluated: 2025-02-27. Review status: criteria provided, single submitter. Criteria: Invitae Variant Classification Sherloc (09022015). Collection method: clinical testing. Allele origin: germline.
Comment: This sequence change replaces glutamine, which is neutral and polar, with arginine, which is basic and polar, at codon 320 of the POLA1 protein (p.Gln320Arg). This variant is present in population databases (rs150967644, gnomAD 0.002%). This variant has not been reported in the literature in individuals affected with POLA1-related conditions. Invitae Evidence Modeling of protein sequence and biophysical properties (such as structural, functional, and spatial information, amino acid conservation, physicochemical variation, residue mobility, and thermodynamic stability) indicates that this missense variant is not expected to disrupt POLA1 protein function with a negative predictive value of 80%. In summary, the available evidence is currently insufficient to determine the role of this variant in disease. Therefore, it has been classified as a Variant of Uncertain Significance.

NM_001330360.2(POLA1):c.977A>G (p.Gln326Arg)

Gene: POLA1 (DNA polymerase alpha 1, catalytic subunit; plus strand). Cytogenetic location: Xp22.11.
Variant type: single nucleotide variant.
Coding change: c.977A>G on transcript NM_001330360.2 (MANE Select); coding-DNA position 977, A replaced by G.
Protein change: p.Gln326Arg; replaces glutamine 326 with arginine.
Molecular consequence: missense variant. On other transcripts: non-coding transcript variant (2).
Genome position (GRCh38, 1-based): chrX:24,717,648, A>G. VCF-style: chrX-24717648-A-G. GRCh37 (hg19) VCF-style: chrX-24735765-A-G.
Other names: c.977A>G, p.Gln326Arg (NM_001378303.1); c.959A>G, p.Gln320Arg (NM_016937.4); short protein forms Q320R, Q326R.
Identifiers: ClinVar variation 3679541 (VCV003679541.2).